The following is an entry in ClinVar:

NM_133259.4(LRPPRC):c.7G>A (p.Ala3Thr)

Gene: LRPPRC (leucine rich pentatricopeptide repeat containing; minus strand). Cytogenetic location: 2p21.
Variant type: single nucleotide variant.
Coding change: c.7G>A on transcript NM_133259.4 (MANE Select); coding-DNA position 7, G replaced by A.
Protein change: p.Ala3Thr; replaces alanine 3 with threonine.
Molecular consequence: missense variant.
Genome position (GRCh38, 1-based): chr2:43,995,941, C>T on the plus strand (G>A on the coding strand, the complement: LRPPRC is on the minus strand). VCF-style: chr2-43995941-C-T. GRCh37 (hg19) VCF-style: chr2-44223080-C-T.
Other names: short protein forms A3T.
Identifiers: ClinVar variation 214614 (VCV000214614.55), dbSNP rs200686732, ClinGen allele CA324447.

ClinVar aggregate classification (germline): Conflicting classifications of pathogenicity. Review status: criteria provided, conflicting classifications (1 of 4 stars). 10 submissions from 10 submitters: Uncertain significance (6); Benign (1); Likely benign (1). 2 of the submissions do not count toward it. Last evaluated 2026-01-28.

Conditions:
Inborn genetic diseases. Identifiers: MedGen C0950123, MeSH D030342.
Leigh syndrome (NULS). Also called: LEIGH SYNDROME, NUCLEAR; Leigh Syndrome (mtDNA deletion); Leigh's necrotizing encephalopathy; Leigh's disease; Leigh's syndrome; Subacute necrotizing encephalopathy. Identifiers: Orphanet 506, MedGen C2931891, MONDO:0009723, OMIM 256000.
Congenital lactic acidosis, Saguenay-Lac-Saint-Jean type (MC4DN5). Also called: MITOCHONDRIAL COMPLEX IV DEFICIENCY, NUCLEAR TYPE 5; CYTOCHROME c OXIDASE DEFICIENCY, FRENCH CANADIAN TYPE; COX DEFICIENCY, FRENCH CANADIAN TYPE. Identifiers: Orphanet 70472, MedGen C1857355, MONDO:0009069, OMIM 220111.
LRPPRC-related disorder. Also called: LRPPRC-related condition.

Allele frequency attached by ClinVar (database versions not stated): ESP Exome Variant Server 0.00030; 1000 Genomes Project 0.00080; TOPMed 0.00097; 1000 Genomes Project 30x 0.00109.
gnomAD v4.1: 1,116 of 1,526,144 alleles (0.073%); highest among the groups gnomAD compares: African/African-American, 0.13%; 3 homozygotes.

Submissions (10):

Labcorp Genetics (formerly Invitae), Labcorp
Classification: Benign. Last evaluated: 2026-01-28. Review status: criteria provided, single submitter. Criteria: Invitae Variant Classification Sherloc (09022015). Collection method: clinical testing. Allele origin: germline.

Blueprint Genetics
Classification: Uncertain significance. Last evaluated: 2024-11-11. Review status: criteria provided, single submitter. Criteria: ACMG Guidelines, 2015. Collection method: clinical testing. Allele origin: germline.

CeGaT Center for Human Genetics Tuebingen
Classification: Likely benign. Last evaluated: 2024-07-01. Review status: criteria provided, single submitter. Criteria: CeGaT Center For Human Genetics Tuebingen Variant Classification Criteria Version 2. Collection method: clinical testing. Allele origin: germline. Affected: yes. Observed: 3 variant alleles.
Comment: LRPPRC: BS1

Department of Pathology and Laboratory Medicine, Sinai Health System
Classification: Uncertain significance for Congenital lactic acidosis, Saguenay-Lac-Saint-Jean type. Last evaluated: 2022-08-19. Review status: criteria provided, single submitter. Criteria: ACMG Guidelines, 2015. Collection method: research. Allele origin: germline.

GeneDx
Classification: Uncertain significance. Last evaluated: 2021-12-15. Review status: criteria provided, single submitter. Criteria: GeneDx Variant Classification Process June 2021. Collection method: clinical testing. Allele origin: germline. Affected: yes.
Comment: Has not been previously published as pathogenic or benign to our knowledge; In silico analysis supports that this missense variant does not alter protein structure/function; In-silico analysis is inconclusive as to whether the variant alters gene splicing. In the absence of RNA/functional studies, the actual effect of this sequence change is unknown.

Ambry Genetics
Classification: Uncertain significance for Inborn genetic diseases. Last evaluated: 2021-06-21. Review status: criteria provided, single submitter. Criteria: Ambry Variant Classification Scheme 2023. Collection method: clinical testing. Allele origin: germline.

Mendelics
Classification: Uncertain significance for Leigh syndrome. Last evaluated: 2019-05-28. Review status: criteria provided, single submitter. Criteria: Mendelics Assertion Criteria 2017. Collection method: clinical testing. Allele origin: unknown.

Illumina Laboratory Services, Illumina
Classification: Uncertain significance for Congenital lactic acidosis, Saguenay-Lac-Saint-Jean type. Last evaluated: 2018-01-12. Review status: criteria provided, single submitter. Criteria: ICSL Variant Classification Criteria 13 December 2019. Collection method: clinical testing. Allele origin: germline.

PreventionGenetics, part of Exact Sciences
Classification: Benign for LRPPRC-related condition. Last evaluated: 2020-01-13. Review status: no assertion criteria provided. Collection method: clinical testing. Allele origin: germline. Not counted in ClinVar's aggregate classification.
Comment: This variant is classified as benign based on ACMG/AMP sequence variant interpretation guidelines (Richards et al. 2015 PMID: 25741868, with internal and published modifications).

Natera, Inc.
Classification: Uncertain significance for French-Canadian type Leigh syndrome. Last evaluated: 2019-10-28. Review status: no assertion criteria provided. Collection method: clinical testing. Allele origin: germline. Not counted in ClinVar's aggregate classification.